The following is an entry in ClinVar:

ClinVar aggregate classification (germline): Uncertain significance (1 of 4 stars; one submission).

Conditions:
Autoimmune lymphoproliferative syndrome, type III caused by mutation in PRKCD. Identifiers: Orphanet 3261, Orphanet 664711, MedGen C3809928, MONDO:8000024, OMIM 615559.

Allele frequency attached by ClinVar (database versions not stated): gnomAD exomes below 0.00001.
gnomAD v4.1: 1 of 1,614,174 alleles (0.000062%); highest among the groups gnomAD compares: Middle Eastern, 0.016%; no homozygotes.

Submission:

Labcorp Genetics (formerly Invitae), Labcorp
Classification: Uncertain significance for Autoimmune lymphoproliferative syndrome, type III caused by mutation in PRKCD. Last evaluated: 2023-05-15. Review status: criteria provided, single submitter. Criteria: Invitae Variant Classification Sherloc (09022015). Collection method: clinical testing. Allele origin: germline.
Comment: This sequence change replaces threonine, which is neutral and polar, with serine, which is neutral and polar, at codon 588 of the PRKCD protein (p.Thr588Ser). This variant is not present in population databases (gnomAD no frequency). This variant has not been reported in the literature in individuals affected with PRKCD-related conditions. ClinVar contains an entry for this variant (Variation ID: 1060476). Algorithms developed to predict the effect of missense changes on protein structure and function output the following: SIFT: "Not Available"; PolyPhen-2: "Benign"; Align-GVGD: "Not Available". The serine amino acid residue is found in multiple mammalian species, which suggests that this missense change does not adversely affect protein function. In summary, the available evidence is currently insufficient to determine the role of this variant in disease. Therefore, it has been classified as a Variant of Uncertain Significance.

NM_006254.4(PRKCD):c.1763C>G (p.Thr588Ser)

Gene: PRKCD (protein kinase C delta; plus strand). Cytogenetic location: 3p21.1.
Variant type: single nucleotide variant.
Coding change: c.1763C>G on transcript NM_006254.4 (MANE Select); coding-DNA position 1763, C replaced by G.
Protein change: p.Thr588Ser; replaces threonine 588 with serine.
Molecular consequence: missense variant.
Genome position (GRCh38, 1-based): chr3:53,189,892, C>G. VCF-style: chr3-53189892-C-G. GRCh37 (hg19) VCF-style: chr3-53223908-C-G.
Other names: c.1763C>G, p.Thr588Ser (NM_001316327.2, NM_001354679.2, NM_001354680.2 and 1 more transcripts); c.1820C>G, p.Thr607Ser (NM_001354676.2); c.1811C>G, p.Thr604Ser (NM_001354678.2); short protein forms T588S, T604S, T607S.
Identifiers: ClinVar variation 1060476 (VCV001060476.5), dbSNP rs1703859591, ClinGen allele CA353224278.